The following is an entry in ClinVar:

NM_006231.4(POLE):c.1191del (p.Glu396_Tyr397insTer)

Gene: POLE (DNA polymerase epsilon, catalytic subunit; minus strand). Cytogenetic location: 12q24.33.
Variant type: Deletion.
Coding change: c.1191del on transcript NM_006231.4 (MANE Select); coding-DNA position 1191, one base deleted (C; older notation c.1191delC).
Protein change: p.Glu396_Tyr397insTer.
Molecular consequence: nonsense.
Genome position (GRCh38, 1-based): chr12:132,675,433, G deleted on the plus strand (C on the coding strand, the reverse complement: POLE is on the minus strand). VCF-style (leftmost placement, unchanged base first): chr12-132675432-TG-T. GRCh37 (hg19) VCF-style: chr12-133252018-TG-T.
Identifiers: ClinVar variation 849403 (VCV000849403.9), dbSNP rs2043024130, ClinGen allele CA916082383.

ClinVar aggregate classification (germline): Pathogenic (1 of 4 stars; one submission).

Submission:

Labcorp Genetics (formerly Invitae), Labcorp
Classification: Pathogenic. Last evaluated: 2022-05-12. Review status: criteria provided, single submitter. Criteria: Invitae Variant Classification Sherloc (09022015). Collection method: clinical testing. Allele origin: germline.
Comment: ClinVar contains an entry for this variant (Variation ID: 849403). For these reasons, this variant has been classified as Pathogenic. This variant has not been reported in the literature in individuals affected with POLE-related conditions. This variant is not present in population databases (gnomAD no frequency). This sequence change creates a premature translational stop signal (p.Tyr397*) in the POLE gene. It is expected to result in an absent or disrupted protein product. Loss-of-function variants in POLE are known to be pathogenic (PMID: 23230001, 25948378, 30503519).

Literature cited by the submitters: PubMed 23230001; PubMed 25948378; PubMed 30503519.